The following is an entry in ClinVar:

ClinVar aggregate classification (germline): Uncertain significance (1 of 4 stars; one submission).

Conditions:
Charcot-Marie-Tooth disease type 4. Also called: Charcot-Marie-Tooth, Type 4; Charcot-Marie-Tooth disease, type IV. Identifiers: Orphanet 64749, MedGen C4082197, MONDO:0018995.

Submission:

Labcorp Genetics (formerly Invitae), Labcorp
Classification: Uncertain significance for Charcot-Marie-Tooth disease type 4. Last evaluated: 2022-07-14. Review status: criteria provided, single submitter. Criteria: Invitae Variant Classification Sherloc (09022015). Collection method: clinical testing. Allele origin: germline.
Comment: In summary, the available evidence is currently insufficient to determine the role of this variant in disease. Therefore, it has been classified as a Variant of Uncertain Significance. Experimental studies and prediction algorithms are not available or were not evaluated, and the functional significance of this variant is currently unknown. This variant has not been reported in the literature in individuals affected with SBF2-related conditions. This variant is not present in population databases (gnomAD no frequency). This variant, c.2128_2130del, results in the deletion of 1 amino acid(s) of the SBF2 protein (p.Glu710del), but otherwise preserves the integrity of the reading frame.

NM_030962.4(SBF2):c.2128_2130del (p.Glu710del)

Genes: SBF2 (SET binding factor 2; minus strand), LOC101928008 (uncharacterized LOC101928008; plus strand). Cytogenetic location: 11p15.4.
Variant type: Deletion.
Coding change: c.2128_2130del on transcript NM_030962.4 (MANE Select); coding-DNA positions 2128 to 2130, 3 bases deleted (GAG; older notation c.2128_2130delGAG).
Protein change: p.Glu710del; deletes glutamic acid 710.
Molecular consequence: inframe deletion.
Genome position (GRCh38, 1-based): chr11:9,856,691-9,856,693, CTC deleted on the plus strand (GAG on the coding strand, the reverse complement: SBF2 is on the minus strand); deleting any 3 consecutive bases within chr11:9,856,691-9,856,695 gives the same sequence; the c. name uses the placement nearest the transcript's 3' end. VCF-style (leftmost placement, unchanged base first): chr11-9856690-TCTC-T. GRCh37 (hg19) VCF-style: chr11-9878237-TCTC-T.
Other names: c.2128_2130del, p.Glu710del (NM_001386339.1); c.1999_2001del, p.Glu667del (NM_001386342.1); short protein forms E667del, E710del.
Identifiers: ClinVar variation 2067951 (VCV002067951.4), dbSNP rs1590234980, ClinGen allele CA918817216.